The following is an entry in ClinVar:

ClinVar aggregate classification (germline): Uncertain significance (1 of 4 stars; one submission).

Conditions:
Haddad syndrome (OHD). Also called: Ondine-Hirschsprung disease. Identifiers: Orphanet 99803, MedGen C1859049, MONDO:0020493.

Submission:

Labcorp Genetics (formerly Invitae), Labcorp
Classification: Uncertain significance for Haddad syndrome. Last evaluated: 2018-07-23. Review status: criteria provided, single submitter. Criteria: Invitae Variant Classification Sherloc (09022015). Collection method: clinical testing. Allele origin: germline.
Comment: In summary, the available evidence is currently insufficient to determine the role of this variant in disease. Therefore, it has been classified as a Variant of Uncertain Significance. This variant has not been reported in the literature in individuals with PHOX2B-related disease. This variant is not present in population databases (ExAC no frequency). This sequence change replaces glycine with cysteine at codon 214 of the PHOX2B protein (p.Gly214Cys). The glycine residue is moderately conserved and there is a large physicochemical difference between glycine and cysteine.

NM_003924.4(PHOX2B):c.640G>T (p.Gly214Cys)

Gene: PHOX2B (paired like homeobox 2B; minus strand). Cytogenetic location: 4p13.
Variant type: single nucleotide variant.
Coding change: c.640G>T on transcript NM_003924.4 (MANE Select); coding-DNA position 640, G replaced by T.
Protein change: p.Gly214Cys; replaces glycine 214 with cysteine.
Molecular consequence: missense variant.
Genome position (GRCh38, 1-based): chr4:41,746,112, C>A on the plus strand (G>T on the coding strand, the complement: PHOX2B is on the minus strand). VCF-style: chr4-41746112-C-A. GRCh37 (hg19) VCF-style: chr4-41748129-C-A.
Other names: short protein forms G214C.
Identifiers: ClinVar variation 647188 (VCV000647188.10), dbSNP rs776131193, ClinGen allele CA356737546.